The following is an entry in ClinVar:

NM_001134831.2(AHI1):c.2080T>C (p.Leu694=)

Gene: AHI1 (Abelson helper integration site 1; minus strand). Cytogenetic location: 6q23.3.
Variant type: single nucleotide variant.
Coding change: c.2080T>C on transcript NM_001134831.2 (MANE Select); coding-DNA position 2080, T replaced by C.
Protein change: p.Leu694=; no amino-acid change (leucine 694 retained).
Molecular consequence: synonymous variant.
Genome position (GRCh38, 1-based): chr6:135,433,213, A>G on the plus strand (T>C on the coding strand, the complement: AHI1 is on the minus strand). VCF-style: chr6-135433213-A-G. GRCh37 (hg19) VCF-style: chr6-135754351-A-G.
Other names: c.2080T>C, p.Leu694= (NM_001134830.2, NM_001134832.2, NM_001350503.2 and 2 more transcripts).
Identifiers: ClinVar variation 2170894 (VCV002170894.4), dbSNP rs757278833, ClinGen allele CA4012443.
Genomic context (GRCh38, chr6:135,433,213, plus strand): 5'-CTACTAGCTCTCTTACAGCTGGATGGAATTTAGCCGTGTAAACAAAAGAAGGATGAGGTA[A>G]AACTCTGAAAGTATTTGTATTGTTTATTTCATTTTTCCATATCCTGGAAAAGGATAAGAA-3'
Protein context (NP_001128303.1, residues 684-704): EINNTNTFRV[Leu694=]PHPSFVYTAK

ClinVar aggregate classification (germline): Uncertain significance (1 of 4 stars; one submission).

Conditions:
Joubert syndrome. Also called: CEREBELLOPARENCHYMAL DISORDER IV; JOUBERT-BOLTSHAUSER SYNDROME; Familial aplasia of the vermis. Identifiers: Orphanet 475, MedGen C5979921, MONDO:0018772.

Allele frequency attached by ClinVar (database versions not stated): ExAC 0.00001; gnomAD exomes 0.00001.
gnomAD v4.1: 3 of 1,611,780 alleles (0.00019%); highest among the groups gnomAD compares: Non-Finnish European, 0.00025%; no homozygotes.

Submission:

Labcorp Genetics (formerly Invitae), Labcorp
Classification: Uncertain significance for Joubert syndrome. Last evaluated: 2022-06-18. Review status: criteria provided, single submitter. Criteria: Invitae Variant Classification Sherloc (09022015). Collection method: clinical testing. Allele origin: germline.
Comment: Algorithms developed to predict the effect of sequence changes on RNA splicing suggest that this variant may disrupt the consensus splice site. In summary, the available evidence is currently insufficient to determine the role of this variant in disease. Therefore, it has been classified as a Variant of Uncertain Significance. This variant has not been reported in the literature in individuals affected with AHI1-related conditions. This variant is present in population databases (rs757278833, gnomAD 0.002%). This sequence change affects codon 694 of the AHI1 mRNA. It is a 'silent' change, meaning that it does not change the encoded amino acid sequence of the AHI1 protein.